The following is an entry in ClinVar:

NM_001035.3(RYR2):c.7354G>A (p.Val2452Met)

Gene: RYR2 (ryanodine receptor 2; plus strand). Cytogenetic location: 1q43.
Variant type: single nucleotide variant.
Coding change: c.7354G>A on transcript NM_001035.3 (MANE Select); coding-DNA position 7354, G replaced by A.
Protein change: p.Val2452Met; replaces valine 2452 with methionine.
Molecular consequence: missense variant.
Genome position (GRCh38, 1-based): chr1:237,648,455, G>A. VCF-style: chr1-237648455-G-A. GRCh37 (hg19) VCF-style: chr1-237811755-G-A.
Other names: c.7354G>A, p.Val2452Met (LRG_402t1); short protein forms V2452M.
Identifiers: ClinVar variation 404215 (VCV000404215.21), dbSNP rs377136047, ClinGen allele CA087378.
Genomic context (GRCh38, chr1:237,648,455, plus strand): 5'-CCTGTATATGACACAGCCATTGACACCAAAATTCACTTCTCTCTTTTAGATGGGAATGTG[G>A]TGGAACCTGACATGTCTGCGGGGTTTTGCCCAGATCACAAGGCAGCCATGGTTTTATTCC-3'
Protein context (NP_001026.2, residues 2442-2462): MPTIAKDGNV[Val2452Met]EPDMSAGFCP

ClinVar aggregate classification (germline): Conflicting classifications of pathogenicity. Review status: criteria provided, conflicting classifications (1 of 4 stars). 5 submissions from 5 submitters: Uncertain significance (4); Likely benign (1). Last evaluated 2025-12-02.

Conditions:
Cardiovascular phenotype. Identifiers: MedGen CN230736.
Arrhythmogenic right ventricular dysplasia 2. Identifiers: MedGen C1832931.
Ventricular arrhythmias due to cardiac ryanodine receptor calcium release deficiency syndrome. Also called: Autosomal dominant cardiac arrhythmia (Kuhn). Identifiers: MedGen C5542154, MONDO:0020745, OMIM 115000.
Catecholaminergic polymorphic ventricular tachycardia 1. Also called: VENTRICULAR TACHYCARDIA, CATECHOLAMINERGIC POLYMORPHIC, 1, WITH OR WITHOUT ATRIAL DYSFUNCTION AND/OR DILATED CARDIOMYOPATHY; RYR2-Related Catecholaminergic Polymorphic Ventricular Tachycardia; VENTRICULAR TACHYCARDIA, STRESS-INDUCED POLYMORPHIC 1. Identifiers: Orphanet 3286, MedGen C1631597, MONDO:0011484, OMIM 604772.
Catecholaminergic polymorphic ventricular tachycardia (CVPT). Also called: Catecholamine-induced polymorphic ventricular tachycardia. Identifiers: Orphanet 3286, MedGen C5574922, MONDO:0017990.
Cardiomyopathy (CMYO). Also called: Cardiomyopathies. Identifiers: Orphanet 167848, MedGen C0878544, MONDO:0004994, HP:0001638. Inheritance: Various modes of inheritance.

Allele frequency attached by ClinVar (database versions not stated): gnomAD exomes 0.00002 and 0.00010; ExAC 0.00003; gnomAD 0.00003 and 0.00004; TOPMed 0.00004; ESP Exome Variant Server 0.00008; 1000 Genomes Project 0.00020; 1000 Genomes Project 30x 0.00031.
gnomAD v4.1: 146 of 1,607,038 alleles (0.0091%); highest among the groups gnomAD compares: Non-Finnish European, 0.012%; no homozygotes.

Submissions (5):

Labcorp Genetics (formerly Invitae), Labcorp
Classification: Likely benign for Catecholaminergic polymorphic ventricular tachycardia 1. Last evaluated: 2025-12-02. Review status: criteria provided, single submitter. Criteria: Invitae Variant Classification Sherloc (09022015). Collection method: clinical testing. Allele origin: germline.

Ambry Genetics
Classification: Uncertain significance for Cardiovascular phenotype. Last evaluated: 2025-03-05. Review status: criteria provided, single submitter. Criteria: Ambry Variant Classification Scheme 2023. Collection method: clinical testing. Allele origin: germline.
Comment: The p.V2452M variant (also known as c.7354G>A), located in coding exon 49 of the RYR2 gene, results from a G to A substitution at nucleotide position 7354. The valine at codon 2452 is replaced by methionine, an amino acid with highly similar properties. This amino acid position is well conserved in available vertebrate species. In addition, the in silico prediction for this alteration is inconclusive. Based on the available evidence, the clinical significance of this variant remains unclear.

All of Us Research Program, National Institutes of Health
Classification: Uncertain significance for Catecholaminergic polymorphic ventricular tachycardia. Last evaluated: 2024-06-09. Review status: criteria provided, single submitter. Criteria: ACMG Guidelines, 2015. Collection method: clinical testing. Allele origin: germline. Inheritance: Autosomal dominant inheritance. Observed: 13 variant alleles, 13 heterozygotes.
Comment: This missense variant replaces valine with methionine at codon 2452 of the RYR2 protein. Computational prediction suggests that this variant may not impact protein structure and function (internally defined REVEL score threshold <= 0.5, PMID: 27666373). To our knowledge, functional studies have not been reported for this variant. This variant has not been reported in individuals affected with RYR2-related disorders in the literature. This variant has been identified in 7/271920 chromosomes in the general population by the Genome Aggregation Database (gnomAD). The available evidence is insufficient to determine the role of this variant in disease conclusively. Therefore, this variant is classified as a Variant of Uncertain Significance.

This study involves interpretation of variants in research participants for the purpose of population health screening. Participant phenotype was not available at the time of variant classification. Additional details can be found in publication PMID: 35346344, PMCID: PMC8962531

Color Diagnostics, LLC DBA Color Health
Classification: Uncertain significance for Cardiomyopathy. Last evaluated: 2024-05-07. Review status: criteria provided, single submitter. Criteria: ACMG Guidelines, 2015. Collection method: clinical testing. Allele origin: germline.
Comment: This missense variant replaces valine with methionine at codon 2452 of the RYR2 protein. Computational prediction suggests that this variant may not impact protein structure and function (internally defined REVEL score threshold <= 0.5, PMID: 27666373). To our knowledge, functional studies have not been reported for this variant. This variant has not been reported in individuals affected with RYR2-related disorders in the literature. This variant has been identified in 7/271920 chromosomes in the general population by the Genome Aggregation Database (gnomAD). The available evidence is insufficient to determine the role of this variant in disease conclusively. Therefore, this variant is classified as a Variant of Uncertain Significance.

Fulgent Genetics
Classification: Uncertain significance for Ventricular arrhythmias due to cardiac ryanodine receptor calcium release deficiency syndrome; Catecholaminergic polymorphic ventricular tachycardia 1. Last evaluated: 2021-11-05. Review status: criteria provided, single submitter. Criteria: ACMG Guidelines, 2015. Collection method: clinical testing. Allele origin: unknown.